The following is an entry in ClinVar:

NM_053025.4(MYLK):c.937C>T (p.Gln313Ter)

Gene: MYLK (myosin light chain kinase; minus strand). Cytogenetic location: 3q21.1.
Variant type: single nucleotide variant.
Coding change: c.937C>T on transcript NM_053025.4 (MANE Select); coding-DNA position 937, C replaced by T.
Protein change: p.Gln313Ter; replaces glutamine 313 with a stop codon.
Molecular consequence: nonsense.
Genome position (GRCh38, 1-based): chr3:123,734,059, G>A on the plus strand (C>T on the coding strand, the complement: MYLK is on the minus strand). VCF-style: chr3-123734059-G-A. GRCh37 (hg19) VCF-style: chr3-123452906-G-A.
Other names: c.409C>T, p.Gln137Ter (NM_001321309.2); c.937C>T, p.Gln313Ter (NM_053026.4, NM_053027.4, NM_053028.4); short protein forms Q137*, Q313*.
Identifiers: ClinVar variation 3728124 (VCV003728124.2).
Genomic context (GRCh38, chr3:123,734,059, plus strand): 5'-GGGCCGTTCTGGGCGAGTCCTTGCATGACTCCAGCTTGGACTCCCTTGGGGGCTGAGGCT[G>A]GCTGTTTGCAGCCCAGGGTGGGGAGCCACCTCTCTGGGGGCTGGAGCAGTTCTTGCTTTT-3'

ClinVar aggregate classification (germline): Uncertain significance (1 of 4 stars; one submission).

Conditions:
Aortic aneurysm, familial thoracic 7 (AAT7). Also called: AORTIC DISSECTION, FAMILIAL, WITH OR WITHOUT AORTIC ANEURYSM. Identifiers: MedGen C3151077, MONDO:0013418, OMIM 613780.

Submission:

Labcorp Genetics (formerly Invitae), Labcorp
Classification: Uncertain significance for Aortic aneurysm, familial thoracic 7. Last evaluated: 2025-06-10. Review status: criteria provided, single submitter. Criteria: Invitae Variant Classification Sherloc (09022015). Collection method: clinical testing. Allele origin: germline.
Comment: This sequence change creates a premature translational stop signal (p.Gln313*) in the MYLK gene. This variant occurs in the long isoform of MYLK (PMID: 21055718). The current clinical and genetic evidence is not sufficient to establish whether loss-of-function variants in the long isoform of MYLK cause disease. This variant is not present in population databases (gnomAD no frequency). This variant has not been reported in the literature in individuals affected with MYLK-related conditions. ClinVar contains an entry for this variant (Variation ID: 3728124). In summary, the available evidence is currently insufficient to determine the role of this variant in disease. Therefore, it has been classified as a Variant of Uncertain Significance.

Literature cited by the submitters: PubMed 21055718.